The following is an entry in ClinVar:

NM_000051.4(ATM):c.5320-11T>C

Gene: ATM (ATM serine/threonine kinase; plus strand). Cytogenetic location: 11q22.3.
Variant type: single nucleotide variant.
Coding change: c.5320-11T>C on transcript NM_000051.4 (MANE Select); 11 bases into the intron before coding-DNA position 5320, T replaced by C.
Molecular consequence: intron variant.
Genome position (GRCh38, 1-based): chr11:108,302,842, T>C. VCF-style: chr11-108302842-T-C. GRCh37 (hg19) VCF-style: chr11-108173569-T-C.
Other names: c.5320-11T>C (NM_001351834.2).
Identifiers: ClinVar variation 2715894 (VCV002715894.4), dbSNP rs1400116769, ClinGen allele CA602132835.

ClinVar aggregate classification (germline): Likely benign. Review status: criteria provided, multiple submitters, no conflicts (2 of 4 stars). 2 submissions from 2 submitters: Likely benign (2). Last evaluated 2025-03-05.

Conditions:
Ataxia-telangiectasia syndrome (AT). Also called: AT, COMPLEMENTATION GROUP C; Ataxia telangiectasia (A-T); Ataxia-telangiectasia, complementation group D; Ataxia-telangiectasia, complementation group E; LOUIS-BAR SYNDROME; ATAXIA-TELANGIECTASIA, COMPLEMENTATION GROUP A. Identifiers: Orphanet 100, MedGen C0004135, MONDO:0008840, OMIM 208900.
Familial cancer of breast. Also called: Hereditary breast cancer; hereditary breast carcinoma; BREAST CANCER, FAMILIAL. Identifiers: Orphanet 227535, MedGen C0346153, MONDO:0016419, OMIM 114480. Disease mechanism: loss of function.

Allele frequency attached by ClinVar (database versions not stated): gnomAD exomes below 0.00001; TOPMed below 0.00001.
gnomAD v4.1: 2 of 1,605,098 alleles (0.00012%); highest among the groups gnomAD compares: East Asian, 0.0045%; no homozygotes.

Submissions (2):

Labcorp Genetics (formerly Invitae), Labcorp
Classification: Likely benign for Ataxia-telangiectasia syndrome. Last evaluated: 2025-03-05. Review status: criteria provided, single submitter. Criteria: Invitae Variant Classification Sherloc (09022015). Collection method: clinical testing. Allele origin: germline.

Myriad Genetics, Inc.
Classification: Likely benign for Familial cancer of breast. Last evaluated: 2024-05-23. Review status: criteria provided, single submitter. Criteria: Myriad Autosomal Dominant, Autosomal Recessive and X-Linked Classification Criteria (2023). Collection method: clinical testing. Allele origin: unknown.
Comment: This variant is considered likely benign. This variant is intronic and is not expected to impact mRNA splicing.